The following is an entry in ClinVar:

ClinVar aggregate classification (germline): Conflicting classifications of pathogenicity. Review status: criteria provided, conflicting classifications (1 of 4 stars). 12 submissions from 12 submitters: Uncertain significance (1); Benign (7); Likely benign (2). 2 of the submissions do not count toward it. Last evaluated 2026-09-01.

Conditions:
COL4A4-related disorder.
Alport syndrome. Also called: Hemorrhagic familial nephritis; Hemorrhagic hereditary nephritis; Congenital hereditary hematuria. Identifiers: Orphanet 63, MedGen C1567741, MONDO:0018965.
Atypical hemolytic-uremic syndrome. Identifiers: Orphanet 2134, MedGen C2931788, MONDO:0016244.

Allele frequency attached by ClinVar (database versions not stated): 1000 Genomes Project 0.00459; 1000 Genomes Project 30x 0.00531; ESP Exome Variant Server 0.01142; gnomAD exomes 0.01160 and 0.01720; ExAC 0.01173; TOPMed 0.01229; gnomAD 0.01230 and 0.01279.

Submissions (12):

CeGaT Center for Human Genetics Tuebingen
Classification: Benign. Last evaluated: 2026-09-01. Review status: criteria provided, single submitter. Criteria: CeGaT Center For Human Genetics Tuebingen Variant Classification Criteria Version 2. Collection method: clinical testing. Allele origin: germline. Affected: yes. Observed: 28 variant alleles.
Comment: COL4A4: BS1, BS2

Labcorp Genetics (formerly Invitae), Labcorp
Classification: Benign. Last evaluated: 2026-02-04. Review status: criteria provided, single submitter. Criteria: Invitae Variant Classification Sherloc (09022015). Collection method: clinical testing. Allele origin: germline.

Mayo Clinic Laboratories, Mayo Clinic
Classification: Likely benign. Last evaluated: 2025-06-25. Review status: criteria provided, single submitter. Criteria: ACMG Guidelines, 2015. Collection method: clinical testing. Allele origin: germline. Observed: 9 variant alleles.
Comment: BS1, BS2, PP3, PM1_strong

Blueprint Genetics
Classification: Likely benign. Last evaluated: 2024-11-26. Review status: criteria provided, single submitter. Criteria: ACMG Guidelines, 2015. Collection method: clinical testing. Allele origin: germline.

ARUP Laboratories, Molecular Genetics and Genomics, ARUP Laboratories
Classification: Benign. Last evaluated: 2023-11-29. Review status: criteria provided, single submitter. Criteria: ARUP Molecular Germline Variant Investigation Process 2024. Collection method: clinical testing. Allele origin: germline.

Genome Diagnostics Laboratory, The Hospital for Sick Children
Classification: Benign for Atypical hemolytic-uremic syndrome. Last evaluated: 2022-05-07. Review status: criteria provided, single submitter. Criteria: ACMG Guidelines, 2015. Collection method: clinical testing. Allele origin: germline.

GeneDx
Classification: Benign. Last evaluated: 2018-05-17. Review status: criteria provided, single submitter. Criteria: GeneDx Variant Classification Process June 2021. Collection method: clinical testing. Allele origin: germline. Affected: yes.
Comment: This variant is associated with the following publications: (PMID: 12631110, 27884173, 30467950)

Laboratory for Molecular Medicine, Mass General Brigham Personalized Medicine
Classification: Benign. Last evaluated: 2018-01-20. Review status: criteria provided, single submitter. Criteria: LMM Criteria. Collection method: clinical testing. Allele origin: germline. Observed: 7 variant alleles.
Comment: p.Gly999Glu in exon 33 of COL4A4: This variant is not expected to have clinical signficance because it has been identified in 1.9% (2548/12662) of European chro mosomes, including 27 homozygote individuals, by the the Genome Aggregation Data base (gnomAD; dbSNP rs13027659). ACMG/AMP Cri teria applied: PP3; BA1.

Athena Diagnostics
Classification: Benign. Last evaluated: 2017-10-02. Review status: criteria provided, single submitter. Criteria: Athena Diagnostics Criteria. Collection method: clinical testing. Allele origin: germline.

Illumina Laboratory Services, Illumina
Classification: Uncertain significance for Alport syndrome. Last evaluated: 2017-04-27. Review status: criteria provided, single submitter. Criteria: ICSL Variant Classification Criteria 13 December 2019. Collection method: clinical testing. Allele origin: germline.
Comment: This variant was observed as part of a predisposition screen in an ostensibly healthy population. A literature search was performed for the gene, cDNA change, and amino acid change (where applicable). Publications were found based on this search. However, the evidence from the literature, in combination with allele frequency data from public databases where available, was not sufficient to rule this variant in or out of causing disease. Therefore, this variant is classified as a variant of unknown significance.

PreventionGenetics, part of Exact Sciences
Classification: Benign for COL4A4-related condition. Last evaluated: 2020-04-15. Review status: no assertion criteria provided. Collection method: clinical testing. Allele origin: germline. Not counted in ClinVar's aggregate classification.
Comment: This variant is classified as benign based on ACMG/AMP sequence variant interpretation guidelines (Richards et al. 2015 PMID: 25741868, with internal and published modifications).

Natera, Inc.
Classification: Benign for Alport syndrome. Last evaluated: 2019-11-14. Review status: no assertion criteria provided. Collection method: clinical testing. Allele origin: germline. Not counted in ClinVar's aggregate classification.

Literature cited by the submitters: PubMed 12631110 (cited by 4 submitters); PubMed 27884173 (cited by 3 submitters); PubMed 30467950 (cited by Mayo Clinic Laboratories, Mayo Clinic); PubMed 31308072 (cited by Mayo Clinic Laboratories, Mayo Clinic); PubMed 33040356 (cited by Mayo Clinic Laboratories, Mayo Clinic); PubMed 35675912 (cited by Mayo Clinic Laboratories, Mayo Clinic); PubMed 14871398 (cited by Laboratory for Molecular Medicine, Mass General Brigham Personalized Medicine and Athena Diagnostics); PubMed 26934356 (cited by Laboratory for Molecular Medicine, Mass General Brigham Personalized Medicine); PubMed 17216251 (cited by Laboratory for Molecular Medicine, Mass General Brigham Personalized Medicine); PubMed 17396119 (cited by Laboratory for Molecular Medicine, Mass General Brigham Personalized Medicine and Athena Diagnostics).

NM_000092.5(COL4A4):c.2996G>A (p.Gly999Glu)

Gene: COL4A4 (collagen type IV alpha 4 chain; minus strand). Cytogenetic location: 2q36.3.
Variant type: single nucleotide variant.
Coding change: c.2996G>A on transcript NM_000092.5 (MANE Select); coding-DNA position 2996, G replaced by A.
Protein change: p.Gly999Glu; replaces glycine 999 with glutamic acid.
Molecular consequence: missense variant.
Genome position (GRCh38, 1-based): chr2:227,051,131, C>T on the plus strand (G>A on the coding strand, the complement: COL4A4 is on the minus strand). VCF-style: chr2-227051131-C-T. GRCh37 (hg19) VCF-style: chr2-227915847-C-T.
Other names: short protein forms G999E.
Identifiers: ClinVar variation 255027 (VCV000255027.56), dbSNP rs13027659, ClinGen allele CA2144654.